The following is an entry in ClinVar:

ClinVar aggregate classification (germline): Pathogenic/Likely pathogenic. Review status: criteria provided, multiple submitters, no conflicts (2 of 4 stars). 2 submissions from 2 submitters: Pathogenic (1); Likely pathogenic (1). Last evaluated 2024-06-05.

Conditions:
Seizures, benign familial infantile, 3 (BFIS3). Also called: Familial neonatal seizures; CONVULSIONS, BENIGN FAMILIAL INFANTILE, 3. Identifiers: Orphanet 140927, Orphanet 306, MedGen C1843140, MONDO:0011904, OMIM 607745.
Developmental and epileptic encephalopathy, 11 (DEE11). Also called: Early infantile epileptic encephalopathy 11. Identifiers: Orphanet 1934, MedGen C3150987, MONDO:0013388, OMIM 613721.

Submissions (2):

Labcorp Genetics (formerly Invitae), Labcorp
Classification: Pathogenic for Seizures, benign familial infantile, 3; Developmental and epileptic encephalopathy, 11. Last evaluated: 2024-06-05. Review status: criteria provided, single submitter. Criteria: Invitae Variant Classification Sherloc (09022015). Collection method: clinical testing. Allele origin: germline.
Comment: This sequence change replaces methionine, which is neutral and non-polar, with threonine, which is neutral and polar, at codon 1354 of the SCN2A protein (p.Met1354Thr). This variant is not present in population databases (gnomAD no frequency). This missense change has been observed in individual(s) with SCN2A-related conditions (PMID: 29655203; Invitae). In at least one individual the variant was observed to be de novo. ClinVar contains an entry for this variant (Variation ID: 432025). Advanced modeling of protein sequence and biophysical properties (such as structural, functional, and spatial information, amino acid conservation, physicochemical variation, residue mobility, and thermodynamic stability) performed at Invitae indicates that this missense variant is expected to disrupt SCN2A protein function with a positive predictive value of 95%. For these reasons, this variant has been classified as Pathogenic.

GeneDx
Classification: Likely pathogenic. Last evaluated: 2015-12-03. Review status: criteria provided, single submitter. Criteria: GeneDx Variant Classification (06012015). Collection method: clinical testing. Allele origin: germline. Affected: yes.
Comment: The M1354T variant has not been published as a pathogenic variant, nor has it been reported as a benign variant to our knowledge. It was not observed in approximately 6,500 individuals of European and African American ancestry in the NHLBI Exome Sequencing Project, indicating it is not a common benign variant in these populations. The M1354T variant is a non-conservative amino acid substitution, which is likely to impact secondary protein structure as these residues differ in polarity, charge, size, and/or other properties. This substitution alters a conserved position predicted to be within transmembrane segment S5 in the third homologous domain of the SCN2A protein. In silico analysis predicts this variant is probably damaging to the protein structure/function. Therefore, this variant is likely pathogenic; however, the possibility that it is benign cannot be excluded.

Literature cited by the submitters: PubMed 29655203 (cited by Labcorp Genetics (formerly Invitae), Labcorp).

NM_001040142.2(SCN2A):c.4061T>C (p.Met1354Thr)

Gene: SCN2A (sodium voltage-gated channel alpha subunit 2; plus strand). Cytogenetic location: 2q24.3.
Variant type: single nucleotide variant.
Coding change: c.4061T>C on transcript NM_001040142.2 (MANE Select); coding-DNA position 4061, T replaced by C.
Protein change: p.Met1354Thr; replaces methionine 1354 with threonine.
Molecular consequence: missense variant.
Genome position (GRCh38, 1-based): chr2:165,374,773, T>C. VCF-style: chr2-165374773-T-C. GRCh37 (hg19) VCF-style: chr2-166231283-T-C.
Other names: c.4061T>C, p.Met1354Thr (NM_001040143.2, NM_001371246.1, NM_001371247.1 and 1 more transcripts); short protein forms M1354T.
Identifiers: ClinVar variation 432025 (VCV000432025.12), dbSNP rs1553593676, ClinGen allele CA349030570.